The following is an entry in ClinVar:

ClinVar aggregate classification (germline): Uncertain significance (1 of 4 stars; one submission).

gnomAD v4.1: 2 of 1,612,706 alleles (0.00012%); highest among the groups gnomAD compares: South Asian, 0.0022%; no homozygotes.

Submission:

GeneDx
Classification: Uncertain significance. Last evaluated: 2024-08-06. Review status: criteria provided, single submitter. Criteria: GeneDx Variant Classification Process June 2021. Collection method: clinical testing. Allele origin: germline. Affected: yes.
Comment: Not observed at significant frequency in large population cohorts (gnomAD); In silico analysis supports that this missense variant has a deleterious effect on protein structure/function; Has not been previously published as pathogenic or benign to our knowledge

NM_003024.3(ITSN1):c.338C>T (p.Pro113Leu)

Gene: ITSN1 (intersectin 1; plus strand). Cytogenetic location: 21q22.11.
Variant type: single nucleotide variant.
Coding change: c.338C>T on transcript NM_003024.3 (MANE Select); coding-DNA position 338, C replaced by T.
Protein change: p.Pro113Leu; replaces proline 113 with leucine.
Molecular consequence: missense variant.
Genome position (GRCh38, 1-based): chr21:33,735,196, C>T. VCF-style: chr21-33735196-C-T. GRCh37 (hg19) VCF-style: chr21-35107501-C-T.
Other names: c.338C>T, p.Pro113Leu (NM_001001132.2, NM_001331008.2, NM_001331009.2 and 3 more transcripts); short protein forms P113L.
Identifiers: ClinVar variation 3603052 (VCV003603052.1).